The following is an entry in ClinVar:

NM_000465.4(BARD1):c.1677+4del

Gene: BARD1 (BRCA1 associated RING domain 1; minus strand). Cytogenetic location: 2q35.
Variant type: Deletion.
Coding change: c.1677+4del on transcript NM_000465.4 (MANE Select); 4 bases into the intron after coding-DNA position 1677, one base deleted (A; older notation c.1677+4delA).
Molecular consequence: intron variant.
Genome position (GRCh38, 1-based): chr2:214,752,443, T deleted on the plus strand (A on the coding strand, the reverse complement: BARD1 is on the minus strand); the first of 2 consecutive T bases (chr2:214,752,443-214,752,444); deleting either gives the same sequence. VCF-style (leftmost placement, unchanged base first): chr2-214752442-CT-C. GRCh37 (hg19) VCF-style: chr2-215617166-CT-C.
Other names: c.267+4del (NM_001282548.2); c.1620+4del (NM_001282543.2); c.324+4del (NM_001282545.2); c.365-21935del (NM_001282549.2).
Identifiers: ClinVar variation 938352 (VCV000938352.8), dbSNP rs1693497293, ClinGen allele CA1139657676.

ClinVar aggregate classification (germline): Uncertain significance (1 of 4 stars; one submission).

Conditions:
Familial cancer of breast. Also called: BREAST CANCER, FAMILIAL; Hereditary breast cancer; hereditary breast carcinoma. Identifiers: Orphanet 227535, MedGen C0346153, MONDO:0016419, OMIM 114480. Disease mechanism: loss of function.

Submission:

Labcorp Genetics (formerly Invitae), Labcorp
Classification: Uncertain significance for Familial cancer of breast. Last evaluated: 2020-06-13. Review status: criteria provided, single submitter. Criteria: Invitae Variant Classification Sherloc (09022015). Collection method: clinical testing. Allele origin: germline.
Comment: This variant is not present in population databases (ExAC no frequency). This variant has not been reported in the literature in individuals with BARD1-related conditions. This sequence change falls in intron 7 of the BARD1 gene. It does not directly change the encoded amino acid sequence of the BARD1 protein, but it affects a nucleotide within the consensus splice site of the intron. In summary, the available evidence is currently insufficient to determine the role of this variant in disease. Therefore, it has been classified as a Variant of Uncertain Significance. Nucleotide substitutions within the consensus splice site are a relatively common cause of aberrant splicing (PMID: 17576681, 9536098). Algorithms developed to predict the effect of sequence changes on RNA splicing suggest that this variant may disrupt the consensus splice site, but this prediction has not been confirmed by published transcriptional studies.

Literature cited by the submitters: PubMed 17576681; PubMed 9536098.